The following is an entry in ClinVar:

ClinVar aggregate classification (germline): Conflicting classifications of pathogenicity. Review status: criteria provided, conflicting classifications (1 of 4 stars). 5 submissions from 5 submitters: Uncertain significance (1); Benign (2); Likely benign (1). 1 of the submissions does not count toward it. Last evaluated 2026-08-01.

Conditions:
LAMA5-related disorder. Also called: LAMA5-related condition; LAMA5-Related Disorders.
Polymicrogyria. Identifiers: Orphanet 35981, MedGen C0266464, MONDO:0000087, HP:0002126.

Allele frequency attached by ClinVar (database versions not stated): 1000 Genomes Project 0.00260; 1000 Genomes Project 30x 0.00265; TOPMed 0.00522; ESP Exome Variant Server 0.00690.
gnomAD v4.1: 11,912 of 1,610,634 alleles (0.74%); highest among the groups gnomAD compares: Non-Finnish European, 0.83%; 56 homozygotes.

Submissions (5):

CeGaT Center for Human Genetics Tuebingen
Classification: Likely benign. Last evaluated: 2026-08-01. Review status: criteria provided, single submitter. Criteria: CeGaT Center For Human Genetics Tuebingen Variant Classification Criteria Version 2. Collection method: clinical testing. Allele origin: germline. Affected: yes. Observed: 31 variant alleles.
Comment: LAMA5: BS2

Labcorp Genetics (formerly Invitae), Labcorp
Classification: Benign. Last evaluated: 2026-01-13. Review status: criteria provided, single submitter. Criteria: Invitae Variant Classification Sherloc (09022015). Collection method: clinical testing. Allele origin: germline.

Mayo Clinic Laboratories, Mayo Clinic
Classification: Benign. Last evaluated: 2025-05-13. Review status: criteria provided, single submitter. Criteria: ACMG Guidelines, 2015. Collection method: clinical testing. Allele origin: germline. Observed: 1 variant allele.
Comment: BS1, BS2, BP4_moderate

Lupski Lab, Baylor-Hopkins CMG, Baylor College of Medicine
Classification: Uncertain significance for Polymicrogyria. Last evaluated: 2017-09-01. Review status: criteria provided, single submitter. Criteria: Wiszniewski et al. (Eur J Hum Genet. 2018). Collection method: research. Allele origin: inherited, unknown. Inheritance: Autosomal recessive inheritance. Affected: yes and no. Observed: 2 variant alleles.

PreventionGenetics, part of Exact Sciences
Classification: Benign for LAMA5-related condition. Last evaluated: 2019-11-16. Review status: no assertion criteria provided. Collection method: clinical testing. Allele origin: germline. Not counted in ClinVar's aggregate classification.
Comment: This variant is classified as benign based on ACMG/AMP sequence variant interpretation guidelines (Richards et al. 2015 PMID: 25741868, with internal and published modifications).

Literature cited by the submitters: PubMed 29706646 (cited by Mayo Clinic Laboratories, Mayo Clinic).

NM_005560.6(LAMA5):c.7114G>A (p.Asp2372Asn)

Gene: LAMA5 (laminin subunit alpha 5; minus strand). Cytogenetic location: 20q13.33.
Variant type: single nucleotide variant.
Coding change: c.7114G>A on transcript NM_005560.6 (MANE Select); coding-DNA position 7114, G replaced by A.
Protein change: p.Asp2372Asn; replaces aspartic acid 2372 with asparagine.
Molecular consequence: missense variant.
Genome position (GRCh38, 1-based): chr20:62,318,579, C>T on the plus strand (G>A on the coding strand, the complement: LAMA5 is on the minus strand). VCF-style: chr20-62318579-C-T. GRCh37 (hg19) VCF-style: chr20-60893635-C-T.
Other names: p.Asp2372Asn; short protein forms D2372N.
Identifiers: ClinVar variation 438606 (VCV000438606.48), dbSNP rs111653839, ClinGen allele CA9941417.